The following is an entry in ClinVar:

NM_005475.3(SH2B3):c.784T>C (p.Trp262Arg)

Gene: SH2B3 (SH2B adaptor protein 3; plus strand). Cytogenetic location: 12q24.12.
Variant type: single nucleotide variant.
Coding change: c.784T>C on transcript NM_005475.3 (MANE Select); coding-DNA position 784, T replaced by C.
Protein change: p.Trp262Arg; replaces tryptophan 262 with arginine.
Molecular consequence: missense variant.
Genome position (GRCh38, 1-based): chr12:111,446,804, T>C. VCF-style: chr12-111446804-T-C. GRCh37 (hg19) VCF-style: chr12-111884608-T-C.
Other names: p.Trp60Arg; c.178T>C, p.Trp60Arg (NM_001291424.1); short protein forms W262R, W60R.
Identifiers: ClinVar variation 1265448 (VCV001265448.8), dbSNP rs3184504, ClinGen allele CA6789733.

ClinVar aggregate classification (germline): Benign. Review status: criteria provided, multiple submitters, no conflicts (2 of 4 stars). 5 submissions from 5 submitters: Benign (5). Last evaluated 2025-07-28.

Conditions:
Thrombocythemia 1 (THCYT1). Also called: THROMBOCYTHEMIA, SOMATIC; THROMBOCYTOSIS 1. Identifiers: MedGen C3277671, MONDO:0008554, OMIM 187950.
Primary myelofibrosis. Also called: Myelofibrosis, somatic. Identifiers: Orphanet 824, MedGen C0001815, MeSH D055728, MONDO:0009692, OMIM 254450.
Primary familial polycythemia due to EPO receptor mutation. Also called: ERYTHROCYTOSIS, SOMATIC; Primary Familial Congenital Polycythemia; Erythrocytosis, familial, 1; POLYCYTHEMIA, PRIMARY FAMILIAL AND CONGENITAL. Identifiers: Orphanet 90042, MedGen C4551637, MONDO:0007572, OMIM 133100.

Allele frequency attached by ClinVar (database versions not stated): gnomAD exomes 0.56935 and 0.66739; ESP Exome Variant Server 0.63402; ExAC 0.66255; gnomAD 0.66794 and 0.67749; TOPMed 0.69038; 1000 Genomes Project 30x 0.85181; 1000 Genomes Project 0.85264.
gnomAD v4.1: 912,130 of 1,570,508 alleles (58%); highest among the groups gnomAD compares: East Asian, 100%; 282,793 homozygotes.

Submissions (5):

ARUP Laboratories, Molecular Genetics and Genomics, ARUP Laboratories
Classification: Benign. Last evaluated: 2025-07-28. Review status: criteria provided, single submitter. Criteria: ARUP Molecular Germline Variant Investigation Process 2024. Collection method: clinical testing. Allele origin: germline.

Mayo Clinic Laboratories, Mayo Clinic
Classification: Benign. Last evaluated: 2023-04-11. Review status: criteria provided, single submitter. Criteria: ACMG Guidelines, 2015. Collection method: clinical testing. Allele origin: germline. Observed: 214 variant alleles.
Comment: BA1, BP4_strong

Fulgent Genetics
Classification: Benign for Primary familial polycythemia due to EPO receptor mutation; Thrombocythemia 1; Primary myelofibrosis. Last evaluated: 2022-05-16. Review status: criteria provided, single submitter. Criteria: ACMG Guidelines, 2015. Collection method: clinical testing. Allele origin: unknown.

GeneDx
Classification: Benign. Last evaluated: 2019-01-10. Review status: criteria provided, single submitter. Criteria: GeneDx Variant Classification Process June 2021. Collection method: clinical testing. Allele origin: germline. Affected: yes.
Comment: This variant is associated with the following publications: (PMID: 26553438, 28628107, 29547645, 21909115, 26621817, 18311140, 20546165, 23222517, 24777453, 19820697, 19198610, 17554260, 24026423, 24482502, 20560212)

Breakthrough Genomics
Classification: Benign. Review status: criteria provided, single submitter. Criteria: ACMG Guidelines, 2015. Collection method: not provided. Allele origin: germline. Inheritance: Autosomal dominant inheritance. Affected: yes.